The following is an entry in ClinVar:

NM_144508.5(KNL1):c.6664A>T (p.Arg2222Ter)

Gene: KNL1 (kinetochore scaffold 1; plus strand). Cytogenetic location: 15q15.1.
Variant type: single nucleotide variant.
Coding change: c.6664A>T on transcript NM_144508.5 (MANE Select); coding-DNA position 6664, A replaced by T.
Protein change: p.Arg2222Ter; replaces arginine 2222 with a stop codon.
Molecular consequence: nonsense.
Genome position (GRCh38, 1-based): chr15:40,657,424, A>T. VCF-style: chr15-40657424-A-T. GRCh37 (hg19) VCF-style: chr15-40949622-A-T.
Other names: c.6742A>T, p.Arg2248Ter (NM_170589.5); short protein forms R2222*, R2248*.
Identifiers: ClinVar variation 4883652 (VCV004883652.2).

ClinVar aggregate classification (germline): Likely pathogenic (1 of 4 stars; one submission).

Submission:

Dasa
Classification: Likely pathogenic. Last evaluated: 2026-04-26. Review status: criteria provided, single submitter. Criteria: DASA Assertion Criteria. Collection method: clinical testing. Allele origin: germline.
Comment: NM_144508.5(KNL1):c.6664A>T (p.Arg2222*) is a nonsense variant in KNL1 predicted to introduce a premature termination codon and is predicted to result in an absent or altered protein product. Loss of function is an established disease mechanism for KNL1-associated disorders. Also, this variant is rare in population databases. Based on the currently available evidence, this variant is classified as likely pathogenic.